The following is an entry in ClinVar:

NM_000268.4(NF2):c.1436C>T (p.Pro479Leu)

Gene: NF2 (NF2, moesin-ezrin-radixin like (MERLIN) tumor suppressor; plus strand). Cytogenetic location: 22q12.2.
Variant type: single nucleotide variant.
Coding change: c.1436C>T on transcript NM_000268.4 (MANE Select); coding-DNA position 1436, C replaced by T.
Protein change: p.Pro479Leu; replaces proline 479 with leucine.
Molecular consequence: missense variant. On other transcripts: non-coding transcript variant (1), intron variant (1).
Genome position (GRCh38, 1-based): chr22:29,674,931, C>T. VCF-style: chr22-29674931-C-T. GRCh37 (hg19) VCF-style: chr22-30070920-C-T.
Other names: c.1322C>T, p.Pro441Leu (NM_001407053.1, NM_001407056.1); c.1313C>T, p.Pro438Leu (NM_001407054.1, NM_001407058.1, NM_181829.3); c.1310C>T, p.Pro437Leu (NM_001407055.1, NM_181828.3); c.1301C>T, p.Pro434Leu (NM_001407057.1, NM_001407059.1); c.1436C>T, p.Pro479Leu (NM_001407060.1, NM_001407066.1, NM_016418.5 and 2 more transcripts); c.1178C>T, p.Pro393Leu (NM_001407062.1); c.1187C>T, p.Pro396Leu (NM_001407063.1, NM_001407064.1, NM_181830.3 and 1 more transcripts); c.902C>T, p.Pro301Leu (NM_001407065.1); and 2 more; short protein forms P437L, P301L, P396L, P402L, P438L, P441L, P479L, P393L.
Identifiers: ClinVar variation 4661598 (VCV004661598.1).
Genomic context (GRCh38, chr22:29,674,931, plus strand): 5'-AGGAAGCACGCGAGGCGGAGCGAAGAGCCAAGCAGAAGCTCCTGGAGATTGCCACCAAGC[C>T]CACGTACCCGGTGAGCCTGGGGGCCACCAGCTGGGGCTGCCTTAGTCCTGGTGATGTTCT-3'
Protein context (NP_000259.1, residues 469-489): KQKLLEIATK[Pro479Leu]TYPPMNPIPA

ClinVar aggregate classification (germline): Uncertain significance (1 of 4 stars; one submission).

Conditions:
Hereditary cancer-predisposing syndrome. Also called: Neoplastic Syndromes, Hereditary; Tumor predisposition; Hereditary Cancer Syndrome; Hereditary neoplastic syndrome. Identifiers: Orphanet 140162, MedGen C0027672, MeSH D009386, MONDO:0015356.

Submission:

Ambry Genetics
Classification: Uncertain significance for Hereditary cancer-predisposing syndrome. Last evaluated: 2025-11-23. Review status: criteria provided, single submitter. Criteria: Ambry Variant Classification Scheme 2023. Collection method: clinical testing. Allele origin: germline.
Comment: The p.P479L variant (also known as c.1436C>T), located in coding exon 13 of the NF2 gene, results from a C to T substitution at nucleotide position 1436. The proline at codon 479 is replaced by leucine, an amino acid with similar properties. This amino acid position is conserved. In addition, this alteration is predicted to be tolerated by in silico analysis. Based on the available evidence, the clinical significance of this variant remains unclear.